The following is an entry in ClinVar:

NM_183357.3(ADCY5):c.2931C>A (p.Cys977Ter)

Gene: ADCY5 (adenylate cyclase 5; minus strand). Cytogenetic location: 3q21.1.
Variant type: single nucleotide variant.
Coding change: c.2931C>A on transcript NM_183357.3 (MANE Select); coding-DNA position 2931, C replaced by A.
Protein change: p.Cys977Ter; replaces cysteine 977 with a stop codon.
Molecular consequence: nonsense. On other transcripts: missense variant (1).
Genome position (GRCh38, 1-based): chr3:123,296,216, G>T on the plus strand (C>A on the coding strand, the complement: ADCY5 is on the minus strand). VCF-style: chr3-123296216-G-T. GRCh37 (hg19) VCF-style: chr3-123015063-G-T.
Other names: c.1881C>A, p.Cys627Ter (NM_001199642.1); c.3006C>A, p.Ser1002Arg (NM_001378259.1); short protein forms C977*, C627*, S1002R.
Identifiers: ClinVar variation 620201 (VCV000620201.2), dbSNP rs1553718964, ClinGen allele CA354224279.

ClinVar aggregate classification (germline): Pathogenic (1 of 4 stars; one submission).

Submission:

GeneDx
Classification: Pathogenic. Last evaluated: 2019-08-10. Review status: criteria provided, single submitter. Criteria: GeneDx Variant Classification Process June 2021. Collection method: clinical testing. Allele origin: germline. Affected: yes.
Comment: Nonsense variant predicted to result in protein truncation or nonsense mediated decay in a gene for which loss-of-function is a known mechanism of disease; Not observed in large population cohorts (Lek et al., 2016); Has not been previously published as pathogenic or benign to our knowledge